The following is an entry in ClinVar:

ClinVar aggregate classification (germline): Uncertain significance. Review status: criteria provided, multiple submitters, no conflicts (2 of 4 stars). 2 submissions from 2 submitters: Uncertain significance (2). Last evaluated 2024-02-12.

Conditions:
Inborn genetic diseases. Identifiers: MedGen C0950123, MeSH D030342.

Allele frequency attached by ClinVar (database versions not stated): gnomAD 0.00001; TOPMed 0.00001; gnomAD exomes 0.00004; ExAC 0.00005; ESP Exome Variant Server 0.00008.
gnomAD v4.1: 59 of 1,613,724 alleles (0.0037%); highest among the groups gnomAD compares: Middle Eastern, 0.016%; no homozygotes.

Submissions (2):

Ambry Genetics
Classification: Uncertain significance for Inborn genetic diseases. Last evaluated: 2024-02-12. Review status: criteria provided, single submitter. Criteria: Ambry Variant Classification Scheme 2023. Collection method: clinical testing. Allele origin: germline.

Labcorp Genetics (formerly Invitae), Labcorp
Classification: Uncertain significance. Last evaluated: 2022-08-18. Review status: criteria provided, single submitter. Criteria: Invitae Variant Classification Sherloc (09022015). Collection method: clinical testing. Allele origin: germline.
Comment: This sequence change replaces valine, which is neutral and non-polar, with alanine, which is neutral and non-polar, at codon 1814 of the FAT4 protein (p.Val1814Ala). This variant is present in population databases (rs370491665, gnomAD 0.009%). This variant has not been reported in the literature in individuals affected with FAT4-related conditions. ClinVar contains an entry for this variant (Variation ID: 1400046). Advanced modeling of protein sequence and biophysical properties (such as structural, functional, and spatial information, amino acid conservation, physicochemical variation, residue mobility, and thermodynamic stability) performed at Invitae indicates that this missense variant is not expected to disrupt FAT4 protein function. In summary, the available evidence is currently insufficient to determine the role of this variant in disease. Therefore, it has been classified as a Variant of Uncertain Significance.

NM_001291303.3(FAT4):c.5441T>C (p.Val1814Ala)

Gene: FAT4 (FAT atypical cadherin 4; plus strand). Cytogenetic location: 4q28.1.
Variant type: single nucleotide variant.
Coding change: c.5441T>C on transcript NM_001291303.3 (MANE Select); coding-DNA position 5441, T replaced by C.
Protein change: p.Val1814Ala; replaces valine 1814 with alanine.
Molecular consequence: missense variant.
Genome position (GRCh38, 1-based): chr4:125,407,013, T>C. VCF-style: chr4-125407013-T-C. GRCh37 (hg19) VCF-style: chr4-126328168-T-C.
Other names: c.5441T>C, p.Val1814Ala (NM_001291285.3, NM_024582.6); c.5441T>C (NM_024582.4); short protein forms V1814A.
Identifiers: ClinVar variation 1400046 (VCV001400046.5), dbSNP rs370491665, ClinGen allele CA3072719.